The following is an entry in ClinVar:

ClinVar aggregate classification (germline): Uncertain significance (1 of 4 stars; one submission).

gnomAD v4.1: 11 of 1,550,390 alleles (0.00071%); highest among the groups gnomAD compares: Non-Finnish European, 0.00096%; no homozygotes.

Submission:

Women's Health and Genetics/Laboratory Corporation of America, LabCorp
Classification: Uncertain significance. Last evaluated: 2025-06-23. Review status: criteria provided, single submitter. Criteria: LabCorp Variant Classification Summary - May 2015. Collection method: clinical testing. Allele origin: germline.
Comment: Variant summary: ZNF469 c.7899G>C (p.Lys2633Asn) results in a non-conservative amino acid change in the encoded protein sequence. Algorithms developed to predict the effect of missense changes on protein structure and function are either unavailable or do not agree on the potential impact of this missense change. The variant was absent in 153700 control chromosomes. The available data on variant occurrences in the general population are insufficient to allow any conclusion about variant significance. To our knowledge, no occurrence of c.7899G>C in individuals affected with Brittle cornea syndrome 1 and no experimental evidence demonstrating its impact on protein function have been reported. No submitters have cited clinical-significance assessments for this variant to ClinVar. Based on the evidence outlined above, the variant was classified as uncertain significance.

NM_001367624.2(ZNF469):c.7899G>C (p.Lys2633Asn)

Gene: ZNF469 (zinc finger protein 469; plus strand). Cytogenetic location: 16q24.2.
Variant type: single nucleotide variant.
Coding change: c.7899G>C on transcript NM_001367624.2 (MANE Select); coding-DNA position 7899, G replaced by C.
Protein change: p.Lys2633Asn; replaces lysine 2633 with asparagine.
Molecular consequence: missense variant.
Genome position (GRCh38, 1-based): chr16:88,435,369, G>C. VCF-style: chr16-88435369-G-C. GRCh37 (hg19) VCF-style: chr16-88501777-G-C.
Other names: short protein forms K2633N.
Identifiers: ClinVar variation 3907583 (VCV003907583.1).
Genomic context (GRCh38, chr16:88,435,369, plus strand): 5'-GAGGTGGCGCCGAGAGCCCACCGTGGACTCTCCTAGCCACTCAGAGGGGAAGTCAAATAA[G>C]AAAAGGGGAAAGCTGAGAGGGAGAAGGCTCCGGGAGGAGAGCATTCTTCCAGTCTCTGCT-3'
Protein context (NP_001354553.1, residues 2623-2643): SPSHSEGKSN[Lys2633Asn]KRGKLRGRRL